The following is an entry in ClinVar:

ClinVar aggregate classification (germline): Uncertain significance (1 of 4 stars; one submission).

Conditions:
POLD1-related polyposis and colorectal cancer syndrome (CRCS10). Also called: Colorectal cancer 10; Colorectal cancer, susceptibility to, 10; COLORECTAL CANCER, SUSCEPTIBILITY TO, ON CHROMOSOME 19q. Identifiers: Orphanet 220460, MedGen C2675481, MONDO:0012953, OMIM 612591.

Submission:

Labcorp Genetics (formerly Invitae), Labcorp
Classification: Uncertain significance for POLD1-related polyposis and colorectal cancer syndrome. Last evaluated: 2023-07-30. Review status: criteria provided, single submitter. Criteria: Invitae Variant Classification Sherloc (09022015). Collection method: clinical testing. Allele origin: germline.
Comment: This variant is not present in population databases (gnomAD no frequency). This variant has not been reported in the literature in individuals affected with POLD1-related conditions. Algorithms developed to predict the effect of sequence changes on RNA splicing suggest that this variant may disrupt the consensus splice site. In summary, the available evidence is currently insufficient to determine the role of this variant in disease. Therefore, it has been classified as a Variant of Uncertain Significance. This sequence change affects a splice site in intron 5 of the POLD1 gene. Missense variants that disrupt the 3'-5' exonuclease (proof-reading) activity of the POLD1 protein are associated with PPAP (polymerase proofreading–associated polyposis) (PMID: 23263490, 23447401). However, loss-of-function variants that result in an absent or severely disrupted POLD1 protein, and missense variants outside the exonuclease domain, are unlikely to be associated with PPAP.

Literature cited by the submitters: PubMed 23263490; PubMed 23447401.

NM_002691.4(POLD1):c.589+2_589+3del

Gene: POLD1 (DNA polymerase delta 1, catalytic subunit; plus strand). Cytogenetic location: 19q13.33.
Variant type: Deletion.
Coding change: c.589+2_589+3del on transcript NM_002691.4 (MANE Select); the canonical splice donor site of the intron after coding-DNA position 589 through 3 bases into the intron after coding-DNA position 589, 2 bases deleted (TG; older notation c.589+2_589+3delTG).
Molecular consequence: splice donor variant.
Genome position (GRCh38, 1-based): chr19:50,402,126-50,402,127, TG deleted; deleting any 2 consecutive bases within chr19:50,402,125-50,402,127 gives the same sequence; the c. name uses the placement nearest the transcript's 3' end. VCF-style (leftmost placement, unchanged base first): chr19-50402124-AGT-A. GRCh37 (hg19) VCF-style: chr19-50905381-AGT-A.
Other names: c.589+2_589+3del (NM_001256849.1, NM_001308632.1).
Identifiers: ClinVar variation 2748506 (VCV002748506.3), dbSNP rs2513961101, ClinGen allele CA2586568864.